The following is an entry in ClinVar:

ClinVar aggregate classification (germline): Likely benign (1 of 4 stars; one submission).

Allele frequency attached by ClinVar (database versions not stated): 1000 Genomes Project 0.00060; 1000 Genomes Project 30x 0.00078; TOPMed 0.00127; gnomAD 0.00129; ExAC 0.00143; ESP Exome Variant Server 0.00146.
gnomAD v4.1: 2,785 of 1,613,954 alleles (0.17%); highest among the groups gnomAD compares: Non-Finnish European, 0.2%; 6 homozygotes.

Submission:

CeGaT Center for Human Genetics Tuebingen
Classification: Likely benign. Last evaluated: 2023-03-01. Review status: criteria provided, single submitter. Criteria: CeGaT Center For Human Genetics Tuebingen Variant Classification Criteria Version 2. Collection method: clinical testing. Allele origin: germline. Affected: yes. Observed: 1 variant allele.
Comment: NID2: BP4, BS2

NM_007361.4(NID2):c.2788A>G (p.Ile930Val)

Gene: NID2 (nidogen 2; minus strand). Cytogenetic location: 14q22.1.
Variant type: single nucleotide variant.
Coding change: c.2788A>G on transcript NM_007361.4 (MANE Select); coding-DNA position 2788, A replaced by G.
Protein change: p.Ile930Val; replaces isoleucine 930 with valine.
Molecular consequence: missense variant.
Genome position (GRCh38, 1-based): chr14:52,020,065, T>C on the plus strand (A>G on the coding strand, the complement: NID2 is on the minus strand). VCF-style: chr14-52020065-T-C. GRCh37 (hg19) VCF-style: chr14-52486783-T-C.
Other names: short protein forms I930V.
Identifiers: ClinVar variation 2644236 (VCV002644236.24), dbSNP rs144774059, ClinGen allele CA7186519.